The following is an entry in ClinVar:

NM_000388.4(CASR):c.2154G>A (p.Trp718Ter)

Gene: CASR (calcium sensing receptor; plus strand). Cytogenetic location: 3q21.1.
Variant type: single nucleotide variant.
Coding change: c.2154G>A on transcript NM_000388.4 (MANE Select); coding-DNA position 2154, G replaced by A.
Protein change: p.Trp718Ter; replaces tryptophan 718 with a stop codon.
Molecular consequence: nonsense.
Genome position (GRCh38, 1-based): chr3:122,284,108, G>A. VCF-style: chr3-122284108-G-A. GRCh37 (hg19) VCF-style: chr3-122002955-G-A.
Other names: c.2184G>A, p.Trp728Ter (NM_001178065.2); short protein forms W718*, W728*.
Identifiers: ClinVar variation 1256482 (VCV001256482.1), dbSNP rs2074932551, ClinGen allele CA354158807.

ClinVar aggregate classification (germline): Pathogenic (1 of 4 stars; one submission).

Submission:

Athena Diagnostics
Classification: Pathogenic. Last evaluated: 2020-11-16. Review status: criteria provided, single submitter. Criteria: Athena Diagnostics criteria. Collection method: clinical testing. Allele origin: unknown.
Comment: This variant is expected to result in the loss of a functional protein. This variant has not been reported in large, multi-ethnic general populations. This variant has been identified in at least one individual with clinical features associated with this gene. Assessment of experimental evidence suggests this variant results in abnormal protein function. Study showed this variant caused no calcium signaling activity (PMID: 18796518, 24517148).

Literature cited by the submitters: PubMed 18796518; PubMed 24517148; PubMed 21521328.